The following is an entry in ClinVar:

NM_001163435.3(TBCK):c.2473G>A (p.Glu825Lys)

Gene: TBCK (TBC1 domain containing kinase; minus strand). Cytogenetic location: 4q24.
Variant type: single nucleotide variant.
Coding change: c.2473G>A on transcript NM_001163435.3 (MANE Select); coding-DNA position 2473, G replaced by A.
Protein change: p.Glu825Lys; replaces glutamic acid 825 with lysine.
Molecular consequence: missense variant.
Genome position (GRCh38, 1-based): chr4:106,095,580, C>T on the plus strand (G>A on the coding strand, the complement: TBCK is on the minus strand). VCF-style: chr4-106095580-C-T. GRCh37 (hg19) VCF-style: chr4-107016737-C-T.
Other names: c.2473G>A, p.Glu825Lys (NM_001163436.4); c.2356G>A, p.Glu786Lys (NM_001163437.3); c.1957G>A, p.Glu653Lys (NM_001290768.2); c.2284G>A, p.Glu762Lys (NM_033115.5); short protein forms E825K, E762K, E786K, E653K.
Identifiers: ClinVar variation 3804794 (VCV003804794.3).

ClinVar aggregate classification (germline): Uncertain significance. Review status: criteria provided, multiple submitters, no conflicts (2 of 4 stars). 3 submissions from 3 submitters: Uncertain significance (3). Last evaluated 2025-12-18.

Conditions:
Inborn genetic diseases. Identifiers: MedGen C0950123, MeSH D030342.

gnomAD v4.1: 23 of 1,614,008 alleles (0.0014%); highest among the groups gnomAD compares: South Asian, 0.024%; no homozygotes.

Submissions (3):

Labcorp Genetics (formerly Invitae), Labcorp
Classification: Uncertain significance. Last evaluated: 2025-12-18. Review status: criteria provided, single submitter. Criteria: Invitae Variant Classification Sherloc (09022015). Collection method: clinical testing. Allele origin: germline.
Comment: This sequence change replaces glutamic acid, which is acidic and polar, with lysine, which is basic and polar, at codon 825 of the TBCK protein (p.Glu825Lys). This variant is present in population databases (rs752779985, gnomAD 0.04%). This variant has not been reported in the literature in individuals affected with TBCK-related conditions. ClinVar contains an entry for this variant (Variation ID: 3804794). Invitae Evidence Modeling of protein sequence and biophysical properties (such as structural, functional, and spatial information, amino acid conservation, physicochemical variation, residue mobility, and thermodynamic stability) indicates that this missense variant is not expected to disrupt TBCK protein function with a negative predictive value of 80%. In summary, the available evidence is currently insufficient to determine the role of this variant in disease. Therefore, it has been classified as a Variant of Uncertain Significance.

Ambry Genetics
Classification: Uncertain significance for Inborn genetic diseases. Last evaluated: 2024-12-25. Review status: criteria provided, single submitter. Criteria: Ambry Variant Classification Scheme 2023. Collection method: clinical testing. Allele origin: germline.

Blueprint Genetics
Classification: Uncertain significance. Last evaluated: 2024-09-23. Review status: criteria provided, single submitter. Criteria: ACMG Guidelines, 2015. Collection method: clinical testing. Allele origin: germline.